The following is an entry in ClinVar:

NM_001378615.1(CC2D2A):c.2206A>T (p.Ser736Cys)

Genes: FBXL5 (F-box and leucine rich repeat protein 5; minus strand), CC2D2A (coiled-coil and C2 domain containing 2A; plus strand). Cytogenetic location: 4p15.32.
Variant type: single nucleotide variant.
Coding change: c.2206A>T on transcript NM_001378615.1 (MANE Select); coding-DNA position 2206, A replaced by T.
Protein change: p.Ser736Cys; replaces serine 736 with cysteine.
Molecular consequence: missense variant.
Genome position (GRCh38, 1-based): chr4:15,550,848, A>T. VCF-style: chr4-15550848-A-T. GRCh37 (hg19) VCF-style: chr4-15552471-A-T.
Other names: c.2206A>T, p.Ser736Cys (NM_001080522.2); c.2059A>T, p.Ser687Cys (NM_001378617.1); short protein forms S687C, S736C.
Identifiers: ClinVar variation 983421 (VCV000983421.3), dbSNP rs1308459948, ClinGen allele CA356417011.

ClinVar aggregate classification (germline): Uncertain significance (1 of 4 stars; one submission).

Conditions:
Joubert syndrome. Also called: JOUBERT-BOLTSHAUSER SYNDROME; Familial aplasia of the vermis. Identifiers: Orphanet 475, MedGen C5979921, MONDO:0018772.
Meckel-Gruber syndrome. Also called: Dysencephalia splachnocystica; DYSENCEPHALIA SPLANCHNOCYSTICA; GRUBER SYNDROME. Identifiers: Orphanet 564, MedGen C0265215, MONDO:0018921.

Allele frequency attached by ClinVar (database versions not stated): gnomAD 0.00001; TOPMed 0.00002.
gnomAD v4.1: 2 of 1,589,722 alleles (0.00013%); highest among the groups gnomAD compares: African/African-American, 0.0013%; no homozygotes.

Submission:

Labcorp Genetics (formerly Invitae), Labcorp
Classification: Uncertain significance for Joubert syndrome; Meckel-Gruber syndrome. Last evaluated: 2022-06-25. Review status: criteria provided, single submitter. Criteria: Invitae Variant Classification Sherloc (09022015). Collection method: clinical testing. Allele origin: germline.
Comment: This sequence change replaces serine, which is neutral and polar, with cysteine, which is neutral and slightly polar, at codon 736 of the CC2D2A protein (p.Ser736Cys). This variant is not present in population databases (gnomAD no frequency). This variant has not been reported in the literature in individuals affected with CC2D2A-related conditions. ClinVar contains an entry for this variant (Variation ID: 983421). Algorithms developed to predict the effect of missense changes on protein structure and function are either unavailable or do not agree on the potential impact of this missense change (SIFT: "Tolerated"; PolyPhen-2: "Possibly Damaging"; Align-GVGD: "Class C0"). In summary, the available evidence is currently insufficient to determine the role of this variant in disease. Therefore, it has been classified as a Variant of Uncertain Significance.